The following is an entry in ClinVar:

ClinVar aggregate classification (germline): Uncertain significance (0 of 4 stars; one submission).

Conditions:
LAMA5-related disorder. Also called: LAMA5-related condition; LAMA5-Related Disorders.

gnomAD v4.1: 8 of 1,484,324 alleles (0.00054%); highest among the groups gnomAD compares: Non-Finnish European, 0.00072%; no homozygotes.

Submission:

PreventionGenetics, part of Exact Sciences
Classification: Uncertain significance for LAMA5-related condition. Last evaluated: 2024-05-21. Review status: no assertion criteria provided. Collection method: clinical testing. Allele origin: germline.
Comment: The LAMA5 c.4448-9G>T variant is predicted to interfere with splicing. To our knowledge, this variant has not been reported in the literature. This variant is reported in 0.0092% of alleles in individuals of East Asian descent in gnomAD. At this time, the clinical significance of this variant is uncertain due to the absence of conclusive functional and genetic evidence.

NM_005560.6(LAMA5):c.4448-9G>T

Gene: LAMA5 (laminin subunit alpha 5; minus strand). Cytogenetic location: 20q13.33.
Variant type: single nucleotide variant.
Coding change: c.4448-9G>T on transcript NM_005560.6 (MANE Select); 9 bases into the intron before coding-DNA position 4448, G replaced by T.
Molecular consequence: intron variant.
Genome position (GRCh38, 1-based): chr20:62,328,454, C>A on the plus strand (G>T on the coding strand, the complement: LAMA5 is on the minus strand). VCF-style: chr20-62328454-C-A. GRCh37 (hg19) VCF-style: chr20-60903510-C-A.
Identifiers: ClinVar variation 3352749 (VCV003352749.1).